The following is an entry in ClinVar:

ClinVar aggregate classification (germline): Uncertain significance (1 of 4 stars; one submission).

Conditions:
Hereditary cancer-predisposing syndrome. Also called: Hereditary Cancer Syndrome; Hereditary neoplastic syndrome; Neoplastic Syndromes, Hereditary; Tumor predisposition. Identifiers: Orphanet 140162, MedGen C0027672, MeSH D009386, MONDO:0015356.

Submission:

Ambry Genetics
Classification: Uncertain significance for Hereditary cancer-predisposing syndrome. Last evaluated: 2025-08-19. Review status: criteria provided, single submitter. Criteria: Ambry Variant Classification Scheme 2023. Collection method: clinical testing. Allele origin: germline.
Comment: The c.559+1G>A intronic variant results from a G to A substitution one nucleotide after coding exon 4 of the EGFR gene. Alterations that disrupt the canonical splice site are expected to result in aberrant splicing. In silico splice site analysis predicts that this alteration will weaken the native splice donor site. A resulting transcript is predicted to be in-frame and is not expected to trigger nonsense-mediated mRNAdecay; although, direct evidence is unavailable. This nucleotide position is highly conserved in available vertebrate species. Based on the available evidence, the clinical significance of this variant remains unclear.

NM_005228.5(EGFR):c.559+1G>A

Gene: EGFR (epidermal growth factor receptor; plus strand). Cytogenetic location: 7p11.2.
Variant type: single nucleotide variant.
Coding change: c.559+1G>A on transcript NM_005228.5 (MANE Select); the canonical splice donor site of the intron after coding-DNA position 559, G replaced by A.
Molecular consequence: splice donor variant. On other transcripts: intron variant (3).
Genome position (GRCh38, 1-based): chr7:55,146,741, G>A. VCF-style: chr7-55146741-G-A. GRCh37 (hg19) VCF-style: chr7-55214434-G-A.
Other names: c.424+3253G>A (NM_001346899.2, NM_001346897.2); c.89-9089G>A (NM_001346941.2); c.559+1G>A (NM_001346898.2, NM_201284.2, NM_201282.2 and 1 more transcripts); c.400+1G>A (NM_001346900.2).
Identifiers: ClinVar variation 4247352 (VCV004247352.1).
Genomic context (GRCh38, chr7:55,146,741, plus strand): 5'-TAGTCAGCAGTGACTTTCTCAGCAACATGTCGATGGACTTCCAGAACCACCTGGGCAGCT[G>A]TAAGTGTCGCATACACACTATCTCTGCCTCCAGCTCCTATGGGGGACAGCTCTACAGCAC-3'